The following is an entry in ClinVar:

ClinVar aggregate classification (germline): Benign (1 of 4 stars; one submission).

Allele frequency attached by ClinVar (database versions not stated): gnomAD 0.04072 and 0.04265; TOPMed 0.04464; 1000 Genomes Project 0.04533; 1000 Genomes Project 30x 0.04716.
gnomAD v4.1: 6,129 of 151,576 alleles (4%); highest among the groups gnomAD compares: African/African-American, 11%; 266 homozygotes.

Submission:

GeneDx
Classification: Benign. Last evaluated: 2018-06-14. Review status: criteria provided, single submitter. Criteria: GeneDx Variant Classification (06012015). Collection method: clinical testing. Allele origin: germline. Affected: yes.
Comment: This variant is considered likely benign or benign based on one or more of the following criteria: it is a conservative change, it occurs at a poorly conserved position in the protein, it is predicted to be benign by multiple in silico algorithms, and/or has population frequency not consistent with disease.

NM_002834.5(PTPN11):c.138-181G>C

Gene: PTPN11 (protein tyrosine phosphatase non-receptor type 11; plus strand). Cytogenetic location: 12q24.13.
Variant type: single nucleotide variant.
Coding change: c.138-181G>C on transcript NM_002834.5 (MANE Select); 181 bases into the intron before coding-DNA position 138, G replaced by C.
Molecular consequence: intron variant.
Genome position (GRCh38, 1-based): chr12:112,450,137, G>C. VCF-style: chr12-112450137-G-C. GRCh37 (hg19) VCF-style: chr12-112887941-G-C.
Other names: c.138-181G>C (NM_001330437.2, NM_080601.3); c.138-184G>C (NM_001374625.1).
Identifiers: ClinVar variation 561439 (VCV000561439.1), dbSNP rs7976467, ClinGen allele CA243707895.